The following is an entry in ClinVar:

ClinVar aggregate classification (germline): Likely benign (0 of 4 stars; one submission).

Conditions:
REST-related disorder. Also called: REST-related condition.

Allele frequency attached by ClinVar (database versions not stated): gnomAD exomes 0.00003; gnomAD 0.00017; TOPMed 0.00019; 1000 Genomes Project 30x 0.00031; 1000 Genomes Project 0.00040.
gnomAD v4.1: 52 of 1,057,120 alleles (0.0049%); highest among the groups gnomAD compares: East Asian, 0.06%; no homozygotes.

Submission:

PreventionGenetics, part of Exact Sciences
Classification: Likely benign for REST-related condition. Last evaluated: 2023-03-28. Review status: no assertion criteria provided. Collection method: clinical testing. Allele origin: germline.
Comment: This variant is classified as likely benign based on ACMG/AMP sequence variant interpretation guidelines (Richards et al. 2015 PMID: 25741868, with internal and published modifications).

NM_005612.5(REST):c.983-2245A>G

Gene: REST (RE1 silencing transcription factor; plus strand). Cytogenetic location: 4q12.
Variant type: single nucleotide variant.
Coding change: c.983-2245A>G on transcript NM_005612.5 (MANE Select); 2245 bases into the intron before coding-DNA position 983, A replaced by G.
Molecular consequence: intron variant.
Genome position (GRCh38, 1-based): chr4:56,927,596, A>G. VCF-style: chr4-56927596-A-G. GRCh37 (hg19) VCF-style: chr4-57793762-A-G.
Other names: c.899-2245A>G (NM_001440532.1, NM_001440533.1); c.983-2245A>G (NM_001363453.3, NM_001193508.2).
Identifiers: ClinVar variation 3030152 (VCV003030152.2), dbSNP rs143479990, ClinGen allele CA97635435.